The following is an entry in ClinVar:

ClinVar aggregate classification (germline): Benign. Review status: criteria provided, multiple submitters, no conflicts (2 of 4 stars). 15 submissions from 13 submitters: Benign (12). 3 of the submissions do not count toward it. Last evaluated 2026-02-04.

Conditions:
Seckel syndrome 4 (SCKL4). Identifiers: Orphanet 808, MedGen C3888212, MONDO:0013358, OMIM 613676.
Microcephaly 6, primary, autosomal recessive. Identifiers: Orphanet 2512, MedGen C1842109, MONDO:0012029, OMIM 608393.

Allele frequency attached by ClinVar (database versions not stated): ESP Exome Variant Server 0.45187; TOPMed 0.47315; gnomAD 0.47759 and 0.48404; 1000 Genomes Project 30x 0.48017; 1000 Genomes Project 0.48403; ExAC 0.53945; gnomAD exomes 0.54340 and 0.54876.
gnomAD v4.1: 865,353 of 1,610,908 alleles (54%); highest among the groups gnomAD compares: East Asian, 71%; 236,901 homozygotes.

Submissions (15):

Labcorp Genetics (formerly Invitae), Labcorp
Classification: Benign. Last evaluated: 2026-02-04. Review status: criteria provided, single submitter. Criteria: Invitae Variant Classification Sherloc (09022015). Collection method: clinical testing. Allele origin: germline.

Blueprint Genetics
Classification: Benign. Last evaluated: 2024-11-27. Review status: criteria provided, single submitter. Criteria: ACMG Guidelines, 2015. Collection method: clinical testing. Allele origin: germline.

Genome-Nilou Lab
Classification: Benign for Seckel syndrome 4. Last evaluated: 2021-07-22. Review status: criteria provided, single submitter. Criteria: ACMG Guidelines, 2015. Collection method: clinical testing. Allele origin: germline. Affected: no.

Genome-Nilou Lab
Classification: Benign for Microcephaly 6, primary, autosomal recessive. Last evaluated: 2021-07-22. Review status: criteria provided, single submitter. Criteria: ACMG Guidelines, 2015. Collection method: clinical testing. Allele origin: germline. Affected: no.

Illumina Laboratory Services, Illumina
Classification: Benign for Seckel syndrome 4. Last evaluated: 2018-01-13. Review status: criteria provided, single submitter. Criteria: ICSL Variant Classification Criteria 13 December 2019. Collection method: clinical testing. Allele origin: germline.
Comment: This variant was observed in the ICSL laboratory as part of a predisposition screen in an ostensibly healthy population. It had not been previously curated by ICSL or reported in the Human Gene Mutation Database (HGMD: prior to June 1st, 2018), and was therefore a candidate for classification through an automated scoring system. Utilizing variant allele frequency, disease prevalence and penetrance estimates, and inheritance mode, an automated score was calculated to assess if this variant is too frequent to cause the disease. Based on the score and internal cut-off values, a variant classified as benign is not then subjected to further curation. The score for this variant resulted in a classification of benign for this disease.

Illumina Laboratory Services, Illumina
Classification: Benign for Microcephaly 6, primary, autosomal recessive. Last evaluated: 2018-01-13. Review status: criteria provided, single submitter. Criteria: ICSL Variant Classification Criteria 13 December 2019. Collection method: clinical testing. Allele origin: germline.
Comment: the same text as in the submission from Illumina Laboratory Services, Illumina above.

Athena Diagnostics
Classification: Benign. Last evaluated: 2017-04-20. Review status: criteria provided, single submitter. Criteria: Athena Diagnostics Criteria. Collection method: clinical testing. Allele origin: germline.

GeneDx
Classification: Benign. Last evaluated: 2015-03-03. Review status: criteria provided, single submitter. Criteria: GeneDx Variant Classification Process June 2021. Collection method: clinical testing. Allele origin: germline. Affected: yes.

Eurofins Ntd Llc (ga)
Classification: Benign. Last evaluated: 2014-07-28. Review status: criteria provided, single submitter. Criteria: EGL Classification Definitions 2015. Collection method: clinical testing. Allele origin: germline. Observed: 1 variant allele, 1 heterozygote.

Genetic Services Laboratory, University of Chicago
Classification: Benign. Last evaluated: 2013-02-08. Review status: criteria provided, single submitter. Criteria: ACMG Guidelines, 2007. Collection method: clinical testing. Allele origin: germline. Inheritance: Autosomal recessive inheritance.

Breakthrough Genomics
Classification: Benign. Review status: criteria provided, single submitter. Criteria: ACMG Guidelines, 2015. Collection method: not provided. Allele origin: germline. Inheritance: Autosomal recessive inheritance. Affected: yes.

PreventionGenetics, part of Exact Sciences
Classification: Benign. Review status: criteria provided, single submitter. Criteria: ACMG Guidelines, 2015. Collection method: clinical testing. Allele origin: germline.

Clinical Genetics DNA and cytogenetics Diagnostics Lab, Erasmus MC, Erasmus Medical Center
Classification: Benign. Review status: no assertion criteria provided. Collection method: clinical testing. Allele origin: germline. Affected: yes. Study: VKGL Data-share Consensus. Not counted in ClinVar's aggregate classification.

Diagnostic Laboratory, Department of Genetics, University Medical Center Groningen
Classification: Benign. Review status: no assertion criteria provided. Collection method: clinical testing. Allele origin: germline. Affected: yes. Study: VKGL Data-share Consensus. Not counted in ClinVar's aggregate classification.

Joint Genome Diagnostic Labs from Nijmegen and Maastricht, Radboudumc and MUMC+
Classification: Benign. Review status: no assertion criteria provided. Collection method: clinical testing. Allele origin: germline. Affected: yes. Study: VKGL Data-share Consensus. Not counted in ClinVar's aggregate classification.

NM_018451.5(CPAP):c.3042A>G (p.Glu1014=)

Gene: CPAP (centrosome assembly and centriole elongation protein; minus strand). Cytogenetic location: 13q12.12.
Variant type: single nucleotide variant.
Coding change: c.3042A>G on transcript NM_018451.5 (MANE Select); coding-DNA position 3042, A replaced by G.
Protein change: p.Glu1014=; no amino-acid change (glutamic acid 1014 retained).
Molecular consequence: synonymous variant. On other transcripts: non-coding transcript variant (2).
Genome position (GRCh38, 1-based): chr13:24,892,817, T>C on the plus strand (A>G on the coding strand, the complement: CPAP is on the minus strand). VCF-style: chr13-24892817-T-C. GRCh37 (hg19) VCF-style: chr13-25466955-T-C.
Identifiers: ClinVar variation 158207 (VCV000158207.32), dbSNP rs3742165, ClinGen allele CA171692.